The following is an entry in ClinVar:

ClinVar aggregate classification (germline): Uncertain significance (1 of 4 stars; one submission).

Conditions:
COCH-related disorder. Also called: COCH-related condition.

gnomAD v4.1: 17 of 1,614,090 alleles (0.0011%); highest among the groups gnomAD compares: South Asian, 0.0088%; no homozygotes.

Submission:

PreventionGenetics, part of Exact Sciences
Classification: Uncertain significance for COCH-related condition. Last evaluated: 2025-11-19. Review status: criteria provided, single submitter. Criteria: ACMG Guidelines, 2015. Collection method: clinical testing. Allele origin: germline.
Comment: The COCH c.1199C>T variant is predicted to result in the amino acid substitution p.Ser400Leu. To our knowledge, this variant has not been reported in the literature. This variant is reported in 0.0098% of alleles in individuals of South Asian descent in gnomAD. At this time, the clinical significance of this variant is uncertain due to the absence of conclusive functional and genetic evidence.

NM_004086.3(COCH):c.1199C>T (p.Ser400Leu)

Genes: COCH (cochlin; plus strand), COCH-AS1 (COCH antisense RNA 1; minus strand). Cytogenetic location: 14q12.
Variant type: single nucleotide variant.
Coding change: c.1199C>T on transcript NM_004086.3 (MANE Select); coding-DNA position 1199, C replaced by T.
Protein change: p.Ser400Leu; replaces serine 400 with leucine.
Molecular consequence: missense variant. On other transcripts: non-coding transcript variant (1).
Genome position (GRCh38, 1-based): chr14:30,886,034, C>T. VCF-style: chr14-30886034-C-T. GRCh37 (hg19) VCF-style: chr14-31355240-C-T.
Other names: c.1199C>T, p.Ser400Leu (NM_001135058.2); c.1394C>T, p.Ser465Leu (NM_001347720.2); short protein forms S465L, S400L.
Identifiers: ClinVar variation 4984182 (VCV004984182.1).
Genomic context (GRCh38, chr14:30,886,034, plus strand): 5'-ATAGCAATTTCCGCCTCATGCTTGAATTTGTTTCCAACATAGCCAAGACTTTTGAAATCT[C>T]GGACATTGGTGCCAAGATAGCTGCTGTACAGTTTACTTATGATCAGCGCACGGAGTTCAG-3'
Protein context (NP_004077.1, residues 390-410): VSNIAKTFEI[Ser400Leu]DIGAKIAAVQ